The following is an entry in ClinVar:

NM_020975.6(RET):c.3023T>C (p.Met1008Thr)

Gene: RET (ret proto-oncogene; plus strand). Cytogenetic location: 10q11.21.
Variant type: single nucleotide variant.
Coding change: c.3023T>C on transcript NM_020975.6 (MANE Select); coding-DNA position 3023, T replaced by C.
Protein change: p.Met1008Thr; replaces methionine 1008 with threonine.
Molecular consequence: missense variant.
Genome position (GRCh38, 1-based): chr10:43,124,966, T>C. VCF-style: chr10-43124966-T-C. GRCh37 (hg19) VCF-style: chr10-43620414-T-C.
Other names: c.2261T>C, p.Met754Thr (NM_001355216.2); c.3023T>C, p.Met1008Thr (NM_001406743.1, NM_001406744.1, NM_001406759.1 and 2 more transcripts); c.2894T>C, p.Met965Thr (NM_001406761.1, NM_001406762.1, NM_001406764.1); c.2888T>C, p.Met963Thr (NM_001406763.1, NM_001406765.1); c.2735T>C, p.Met912Thr (NM_001406766.1, NM_001406767.1, NM_001406770.1); c.2759T>C, p.Met920Thr (NM_001406768.1); c.2627T>C, p.Met876Thr (NM_001406769.1, NM_001406772.1); c.2585T>C, p.Met862Thr (NM_001406771.1, NM_001406773.1); and 10 more; short protein forms M613T, M666T, M965T, M525T, M709T, M754T, M766T, M912T.
Identifiers: ClinVar variation 3432248 (VCV003432248.1).

ClinVar aggregate classification (germline): Uncertain significance (1 of 4 stars; one submission).

Conditions:
Hereditary cancer-predisposing syndrome. Also called: Neoplastic Syndromes, Hereditary; Tumor predisposition; Hereditary Cancer Syndrome; Hereditary neoplastic syndrome. Identifiers: Orphanet 140162, MedGen C0027672, MeSH D009386, MONDO:0015356.

Submission:

Ambry Genetics
Classification: Uncertain significance for Hereditary cancer-predisposing syndrome. Last evaluated: 2024-09-11. Review status: criteria provided, single submitter. Criteria: Ambry Variant Classification Scheme 2023. Collection method: clinical testing. Allele origin: germline.
Comment: The p.M1008T variant (also known as c.3023T>C), located in coding exon 18 of the RET gene, results from a T to C substitution at nucleotide position 3023. The methionine at codon 1008 is replaced by threonine, an amino acid with similar properties. This amino acid position is highly conserved in available vertebrate species. In addition, this alteration is predicted to be deleterious by in silico analysis. Based on the available evidence, the clinical significance of this variant remains unclear.